The following is an entry in ClinVar:

ClinVar aggregate classification (germline): Benign (1 of 4 stars; one submission).

Submission:

CeGaT Center for Human Genetics Tuebingen
Classification: Benign. Last evaluated: 2025-12-01. Review status: criteria provided, single submitter. Criteria: CeGaT Center For Human Genetics Tuebingen Variant Classification Criteria Version 2. Collection method: clinical testing. Allele origin: germline. Affected: yes. Observed: 2 variant alleles.
Comment: GRM7: BS1, BS2

NM_000844.4(GRM7):c.1515+11768GA[26]

Gene: GRM7 (glutamate metabotropic receptor 7; plus strand). Cytogenetic location: 3p26.1.
Variant type: Microsatellite.
Coding change: c.1515+11768GA[26] on transcript NM_000844.4 (MANE Select); 26 copies in a row of the 2-base unit GA starting at c.1515+11768; the reference has 21 copies in a row; five copies, 10 bases duplicated.
Molecular consequence: intron variant.
Genome position (GRCh38, 1-based): chr3:7,473,522-7,473,531, GAGAGAGAGA duplicated; duplicating any 10 consecutive bases within chr3:7,473,490-7,473,531 gives the same sequence; the position shown is the placement nearest the transcript's 3' end. VCF-style (leftmost placement, unchanged base first): chr3-7473489-G-GGAGAGAGAGA. GRCh37 (hg19) VCF-style: chr3-7515176-G-GGAGAGAGAGA.
Other names: c.1515+11768GA[26] (NM_181874.3).
Identifiers: ClinVar variation 4281229 (VCV004281229.7).